The following is an entry in ClinVar:

NM_001232.3(CASQ2):c.-218T>C

Gene: CASQ2 (calsequestrin 2; minus strand). Cytogenetic location: 1p13.1.
Variant type: single nucleotide variant.
Coding change: c.-218T>C on transcript NM_001232.3; 218 bases upstream of the start codon, T replaced by C.
Genome position (GRCh38, 1-based): chr1:115,768,759, A>G on the plus strand (T>C on the coding strand, the complement: CASQ2 is on the minus strand). VCF-style: chr1-115768759-A-G. GRCh37 (hg19) VCF-style: chr1-116311380-A-G.
Identifiers: ClinVar variation 292143 (VCV000292143.11), dbSNP rs78585518, ClinGen allele CA10607815.

ClinVar aggregate classification (germline): Benign. Review status: criteria provided, multiple submitters, no conflicts (2 of 4 stars). 4 submissions from 4 submitters: Benign (4). Last evaluated 2023-04-11.

Conditions:
Catecholaminergic polymorphic ventricular tachycardia 2. Also called: CASQ2-Related Catecholaminergic Polymorphic Ventricular Tachycardia; VENTRICULAR TACHYCARDIA, STRESS-INDUCED POLYMORPHIC 2. Identifiers: Orphanet 3286, MedGen C2677794, MONDO:0012762, OMIM 611938.

Allele frequency attached by ClinVar (database versions not stated): TOPMed 0.10135; gnomAD 0.10400 and 0.09790; gnomAD exomes 0.10551; 1000 Genomes Project 0.14417.

Submissions (4):

Genome-Nilou Lab
Classification: Benign for Catecholaminergic polymorphic ventricular tachycardia 2. Last evaluated: 2023-04-11. Review status: criteria provided, single submitter. Criteria: ACMG Guidelines, 2015. Collection method: clinical testing. Allele origin: germline. Affected: no.

GeneDx
Classification: Benign. Last evaluated: 2019-08-13. Review status: criteria provided, single submitter. Criteria: GeneDx Variant Classification Process June 2021. Collection method: clinical testing. Allele origin: germline. Affected: yes.

Illumina Laboratory Services, Illumina
Classification: Benign for Catecholaminergic polymorphic ventricular tachycardia 2. Last evaluated: 2018-01-13. Review status: criteria provided, single submitter. Criteria: ICSL Variant Classification Criteria 13 December 2019. Collection method: clinical testing. Allele origin: germline.
Comment: This variant was observed in the ICSL laboratory as part of a predisposition screen in an ostensibly healthy population. It had not been previously curated by ICSL or reported in the Human Gene Mutation Database (HGMD: prior to June 1st, 2018), and was therefore a candidate for classification through an automated scoring system. Utilizing variant allele frequency, disease prevalence and penetrance estimates, and inheritance mode, an automated score was calculated to assess if this variant is too frequent to cause the disease. Based on the score and internal cut-off values, a variant classified as benign is not then subjected to further curation. The score for this variant resulted in a classification of benign for this disease.

Breakthrough Genomics
Classification: Benign. Review status: criteria provided, single submitter. Criteria: ACMG Guidelines, 2015. Collection method: not provided. Allele origin: germline. Inheritance: Autosomal recessive inheritance. Affected: yes.